The following is an entry in ClinVar:

NM_000138.5(FBN1):c.3577C>A (p.Leu1193Ile)

Gene: FBN1 (fibrillin 1; minus strand). Cytogenetic location: 15q21.1.
Variant type: single nucleotide variant.
Coding change: c.3577C>A on transcript NM_000138.5 (MANE Select); coding-DNA position 3577, C replaced by A.
Protein change: p.Leu1193Ile; replaces leucine 1193 with isoleucine.
Molecular consequence: missense variant.
Genome position (GRCh38, 1-based): chr15:48,487,087, G>T on the plus strand (C>A on the coding strand, the complement: FBN1 is on the minus strand). VCF-style: chr15-48487087-G-T. GRCh37 (hg19) VCF-style: chr15-48779284-G-T.
Other names: c.3577C>A, p.Leu1193Ile (NM_001406716.1); short protein forms L1193I.
Identifiers: ClinVar variation 3754078 (VCV003754078.2).
Genomic context (GRCh38, chr15:48,487,087, plus strand): 5'-AAATAAAGTAAAATAAAATAAAATAAAATAAAATAAAAAAGAACTTACCAACACAAAATA[G>T]CCTATCGGGAGTTGAATGGTAGCCAGGGTTGCAGGCACACTGATACTTCCCTATGAGGTT-3'
Protein context (NP_000129.3, residues 1183-1203): NPGYHSTPDR[Leu1193Ile]FCVDIDECSI

ClinVar aggregate classification (germline): Uncertain significance (1 of 4 stars; one submission).

Conditions:
Marfan syndrome (MFS). Also called: MARFAN SYNDROME, TYPE I; Marfan syndrome type 1; Marfan's syndrome; Marfan syndrome, classic; FBN1-Related Marfan Syndrome. Identifiers: Orphanet 284963, Orphanet 558, MedGen C0024796, MONDO:0007947, OMIM 154700.
Familial thoracic aortic aneurysm and aortic dissection (TAAD). Also called: Thoracic aortic aneurysms and dissections. Identifiers: Orphanet 91387, MedGen C4707243, MONDO:0019625.

Submission:

Labcorp Genetics (formerly Invitae), Labcorp
Classification: Uncertain significance for Marfan syndrome; Familial thoracic aortic aneurysm and aortic dissection. Last evaluated: 2024-11-30. Review status: criteria provided, single submitter. Criteria: Invitae Variant Classification Sherloc (09022015). Collection method: clinical testing. Allele origin: germline.
Comment: This sequence change replaces leucine, which is neutral and non-polar, with isoleucine, which is neutral and non-polar, at codon 1193 of the FBN1 protein (p.Leu1193Ile). This variant is not present in population databases (gnomAD no frequency). This variant has not been reported in the literature in individuals affected with FBN1-related conditions. Invitae Evidence Modeling of protein sequence and biophysical properties (such as structural, functional, and spatial information, amino acid conservation, physicochemical variation, residue mobility, and thermodynamic stability) indicates that this missense variant is not expected to disrupt FBN1 protein function with a negative predictive value of 95%. In summary, the available evidence is currently insufficient to determine the role of this variant in disease. Therefore, it has been classified as a Variant of Uncertain Significance.